The following is an entry in ClinVar:

ClinVar aggregate classification (germline): Conflicting classifications of pathogenicity. Review status: criteria provided, conflicting classifications (1 of 4 stars). 4 submissions from 3 submitters: Uncertain significance (1); Benign (2); Likely benign (1). Last evaluated 2025-08-21.

Conditions:
Retinitis pigmentosa (RP). Identifiers: Orphanet 791, MedGen C0035334, MeSH D012174, MONDO:0019200, OMIM 268000. Inheritance: Autosomal dominant, autosomal recessive and X linked inheritance.
Cone-rod dystrophy 10 (CORD10). Identifiers: Orphanet 1872, MedGen C1846529, MONDO:0012464, OMIM 610283.

Allele frequency attached by ClinVar (database versions not stated): gnomAD 0.00001 and 0.00022; TOPMed 0.00005; gnomAD exomes 0.00041 and 0.00087; ExAC 0.00106; 1000 Genomes Project 0.00120; 1000 Genomes Project 30x 0.00141.
gnomAD v4.1: 624 of 1,614,050 alleles (0.039%); highest among the groups gnomAD compares: South Asian, 0.66%; 12 homozygotes.

Submissions (4):

Labcorp Genetics (formerly Invitae), Labcorp
Classification: Benign. Last evaluated: 2025-08-21. Review status: criteria provided, single submitter. Criteria: Invitae Variant Classification Sherloc (09022015). Collection method: clinical testing. Allele origin: germline.

Blueprint Genetics
Classification: Likely benign. Last evaluated: 2024-10-24. Review status: criteria provided, single submitter. Criteria: ACMG Guidelines, 2015. Collection method: clinical testing. Allele origin: germline.

Illumina Laboratory Services, Illumina
Classification: Uncertain significance for Cone-rod dystrophy 10. Last evaluated: 2018-01-12. Review status: criteria provided, single submitter. Criteria: ICSL Variant Classification Criteria 13 December 2019. Collection method: clinical testing. Allele origin: germline.

Illumina Laboratory Services, Illumina
Classification: Benign for Retinitis pigmentosa. Last evaluated: 2018-01-12. Review status: criteria provided, single submitter. Criteria: ICSL Variant Classification Criteria 13 December 2019. Collection method: clinical testing. Allele origin: germline.
Comment: This variant was observed in the ICSL laboratory as part of a predisposition screen in an ostensibly healthy population. It had not been previously curated by ICSL or reported in the Human Gene Mutation Database (HGMD: prior to June 1st, 2018), and was therefore a candidate for classification through an automated scoring system. Utilizing variant allele frequency, disease prevalence and penetrance estimates, and inheritance mode, an automated score was calculated to assess if this variant is too frequent to cause the disease. Based on the score and internal cut-off values, a variant classified as benign is not then subjected to further curation. The score for this variant resulted in a classification of benign for this disease.

NM_022367.4(SEMA4A):c.492C>T (p.Ile164=)

Gene: SEMA4A (semaphorin 4A; plus strand). Cytogenetic location: 1q22.
Variant type: single nucleotide variant.
Coding change: c.492C>T on transcript NM_022367.4 (MANE Select); coding-DNA position 492, C replaced by T.
Protein change: p.Ile164=; no amino-acid change (isoleucine 164 retained).
Molecular consequence: synonymous variant. On other transcripts: 5 prime UTR variant (2).
Genome position (GRCh38, 1-based): chr1:156,158,748, C>T. VCF-style: chr1-156158748-C-T. GRCh37 (hg19) VCF-style: chr1-156128539-C-T.
Other names: c.492C>T, p.Ile164= (NM_001193300.2, NM_001193301.2, NM_001370567.1); c.96C>T, p.Ile32= (NM_001193302.2); c.195C>T, p.Ile65= (NM_001370568.1); c.-16C>T (NM_001370569.1, NM_001370571.1).
Identifiers: ClinVar variation 292846 (VCV000292846.17), dbSNP rs562037528, ClinGen allele CA1155055.
Genomic context (GRCh38, chr1:156,158,748, plus strand): 5'-TTCTGGCCCCCCAGCCTCTCTCCCCATTTAGGAACTTCAAGATTCCTACCTGTTGCCCAT[C>T]TCGGAGGACAAGGTCATGGAGGGAAAAGGCCAAAGCCCCTTTGACCCCGCTCACAAGCAT-3'
Protein context (NP_071762.2, residues 154-174): IELQDSYLLP[Ile164=]SEDKVMEGKG